The following is an entry in ClinVar:

NM_213599.3(ANO5):c.2327A>C (p.Tyr776Ser)

Gene: ANO5 (anoctamin 5; plus strand). Cytogenetic location: 11p14.3.
Variant type: single nucleotide variant.
Coding change: c.2327A>C on transcript NM_213599.3 (MANE Select); coding-DNA position 2327, A replaced by C.
Protein change: p.Tyr776Ser; replaces tyrosine 776 with serine.
Molecular consequence: missense variant.
Genome position (GRCh38, 1-based): chr11:22,274,660, A>C. VCF-style: chr11-22274660-A-C. GRCh37 (hg19) VCF-style: chr11-22296206-A-C.
Other names: c.2282A>C, p.Tyr761Ser (NM_001410964.1); c.2324A>C, p.Tyr775Ser (NM_001142649.2); c.2285A>C, p.Tyr762Ser (NM_001410963.1); short protein forms Y761S, Y762S, Y775S, Y776S.
Identifiers: ClinVar variation 3753740 (VCV003753740.2).

ClinVar aggregate classification (germline): Uncertain significance (1 of 4 stars; one submission).

Conditions:
Gnathodiaphyseal dysplasia (GDD). Also called: GNATHODIAPHYSEAL SCLEROSIS; OSTEOGENESIS IMPERFECTA WITH UNUSUAL SKELETAL LESIONS. Identifiers: Orphanet 53697, MedGen C1833736, MONDO:0008151, OMIM 166260.
Autosomal recessive limb-girdle muscular dystrophy type 2L (LGMDR12). Also called: Limb-girdle muscular dystrophy, type 2L; MUSCULAR DYSTROPHY, LIMB-GIRDLE, AUTOSOMAL RECESSIVE 12; Limb-Girdle Muscular Dystrophy R12 Anoctamin-5-Related (LGMD-R12). Identifiers: Orphanet 206549, MedGen C1969785, MONDO:0012652, OMIM 611307.

Submission:

Labcorp Genetics (formerly Invitae), Labcorp
Classification: Uncertain significance for Autosomal recessive limb-girdle muscular dystrophy type 2L; Gnathodiaphyseal dysplasia. Last evaluated: 2024-08-12. Review status: criteria provided, single submitter. Criteria: Invitae Variant Classification Sherloc (09022015). Collection method: clinical testing. Allele origin: germline.
Comment: This sequence change replaces tyrosine, which is neutral and polar, with serine, which is neutral and polar, at codon 776 of the ANO5 protein (p.Tyr776Ser). This variant is not present in population databases (gnomAD no frequency). This variant has not been reported in the literature in individuals affected with ANO5-related conditions. Advanced modeling of protein sequence and biophysical properties (such as structural, functional, and spatial information, amino acid conservation, physicochemical variation, residue mobility, and thermodynamic stability) performed at Invitae indicates that this missense variant is expected to disrupt ANO5 protein function with a positive predictive value of 95%. In summary, the available evidence is currently insufficient to determine the role of this variant in disease. Therefore, it has been classified as a Variant of Uncertain Significance.